The following is an entry in ClinVar:

NM_001191061.2(SLC25A22):c.883A>G (p.Ile295Val)

Gene: SLC25A22 (solute carrier family 25 member 22; minus strand). Cytogenetic location: 11p15.5.
Variant type: single nucleotide variant.
Coding change: c.883A>G on transcript NM_001191061.2 (MANE Select); coding-DNA position 883, A replaced by G.
Protein change: p.Ile295Val; replaces isoleucine 295 with valine.
Molecular consequence: missense variant.
Genome position (GRCh38, 1-based): chr11:792,004, T>C on the plus strand (A>G on the coding strand, the complement: SLC25A22 is on the minus strand). VCF-style: chr11-792004-T-C. GRCh37 (hg19) VCF-style: chr11-792004-T-C.
Other names: c.883A>G, p.Ile295Val (NM_001191060.2, NM_024698.6); short protein forms I295V.
Identifiers: ClinVar variation 461381 (VCV000461381.9), dbSNP rs1554965292, ClinGen allele CA378966852.
Genomic context (GRCh38, chr11:792,004, plus strand): 5'-GCAGGGACTCCGCGATGCCCAGGAAGTAGACCACCTGTGCGATGCCGAAAAGGGGCGCGA[T>C]GACCAGCGCGCGGCAGTAGGCGCCCTTCAGGAAGGCCGAGGGGCCCTCGTGCCGCAGGAT-3'
Protein context (NP_001177990.1, residues 285-305): LKGAYCRALV[Ile295Val]APLFGIAQVV

ClinVar aggregate classification (germline): Uncertain significance (1 of 4 stars; one submission).

Conditions:
Early-infantile DEE. Also called: Early infantile epileptic encephalopathy; Ohtahara syndrome; Early infantile epileptic encephalopathy with suppression bursts. Identifiers: Orphanet 1934, MedGen C0393706, MONDO:0800491.

Allele frequency attached by ClinVar (database versions not stated): gnomAD exomes below 0.00001 and 0.00001.
gnomAD v4.1: 14 of 1,608,740 alleles (0.00087%); highest among the groups gnomAD compares: Non-Finnish European, 0.0012%; no homozygotes.

Submission:

Labcorp Genetics (formerly Invitae), Labcorp
Classification: Uncertain significance for Early-infantile DEE. Last evaluated: 2017-02-08. Review status: criteria provided, single submitter. Criteria: Invitae Variant Classification Sherloc (09022015). Collection method: clinical testing. Allele origin: germline.
Comment: In summary, this variant is a novel missense change with uncertain impact on protein function. It has been classified as a Variant of Uncertain Significance. Algorithms developed to predict the effect of missense changes on protein structure and function do not agree on the potential impact of this missense change (SIFT: "Tolerated"; PolyPhen-2: "Probably Damaging"; Align-GVGD: "Class C0"). This variant is not present in population databases (ExAC no frequency) and has not been reported in the literature in individuals with a SLC25A22-related disease. This sequence change replaces isoleucine with valine at codon 295 of the SLC25A22 protein (p.Ile295Val). The isoleucine residue is moderately conserved and there is a small physicochemical difference between isoleucine and valine.